The following is an entry in ClinVar:

NM_001377.3(DYNC2H1):c.10944G>A (p.Trp3648Ter)

Gene: DYNC2H1 (dynein cytoplasmic 2 heavy chain 1; plus strand). Cytogenetic location: 11q22.3.
Variant type: single nucleotide variant.
Coding change: c.10944G>A on transcript NM_001377.3 (MANE Select); coding-DNA position 10944, G replaced by A.
Protein change: p.Trp3648Ter; replaces tryptophan 3648 with a stop codon.
Molecular consequence: nonsense.
Genome position (GRCh38, 1-based): chr11:103,286,308, G>A. VCF-style: chr11-103286308-G-A. GRCh37 (hg19) VCF-style: chr11-103157037-G-A.
Other names: c.10965G>A, p.Trp3655Ter (NM_001080463.2); short protein forms W3648*, W3655*.
Identifiers: ClinVar variation 5013551 (VCV005013551.1).
Genomic context (GRCh38, chr11:103,286,308, plus strand): 5'-TTTTTAGATTGCTCTCCCCAGTCTTTATCAGACCCTCTGCTTTGAAGATGCAGCTCTGTG[G>A]CGTACTTATTATAATAATTCAATGTGTGAGCAAGAGTTTCCATCTATCCTTGCAAAGAAA-3'

ClinVar aggregate classification (germline): Pathogenic (1 of 4 stars; one submission).

Conditions:
Asphyxiating thoracic dystrophy 3. Also called: Saldino-Noonan Syndrome; SHORT-RIB THORACIC DYSPLASIA 3 WITH OR WITHOUT POLYDACTYLY; POLYDACTYLY WITH NEONATAL CHONDRODYSTROPHY, TYPE I; SHORT-RIB THORACIC DYSPLASIA 3/6 WITH POLYDACTYLY, DIGENIC; Short rib polydactyly syndrome 2B. Identifiers: Orphanet 474, Orphanet 93269, Orphanet 93270, Orphanet 93271, MedGen C0036069, MONDO:0013127, OMIM 613091.

Submission:

Myriad Genetics, Inc.
Classification: Pathogenic for Asphyxiating thoracic dystrophy 3. Last evaluated: 2024-09-16. Review status: criteria provided, single submitter. Criteria: Myriad Autosomal Dominant, Autosomal Recessive and X-Linked Classification Criteria (2023). Collection method: clinical testing. Allele origin: unknown.
Comment: NM_001377.2(DYNC2H1):c.10944G>A(W3648*) is expected to be pathogenic in the context of DYNC2H1-related disorders. This variant is predicted to lead to an abnormal or absent protein product due to the creation of a premature termination codon in DYNC2H1, a gene where loss-of-function variants are known to be pathogenic. Please note: this variant was assessed in the context of healthy population screening.